The following is an entry in ClinVar:

NM_015215.4(CAMTA1):c.1840C>T (p.Pro614Ser)

Gene: CAMTA1 (calmodulin binding transcription activator 1; plus strand). Cytogenetic location: 1p36.23.
Variant type: single nucleotide variant.
Coding change: c.1840C>T on transcript NM_015215.4 (MANE Select); coding-DNA position 1840, C replaced by T.
Protein change: p.Pro614Ser; replaces proline 614 with serine.
Molecular consequence: missense variant.
Genome position (GRCh38, 1-based): chr1:7,664,387, C>T. VCF-style: chr1-7664387-C-T. GRCh37 (hg19) VCF-style: chr1-7724447-C-T.
Other names: c.1750C>T, p.Pro584Ser (NM_001349608.2, NM_001349612.2); c.1840C>T, p.Pro614Ser (NM_001349609.2, NM_001349610.2, NM_001410737.1); c.1768C>T, p.Pro590Ser (NM_001410738.1); short protein forms P584S, P590S, P614S.
Identifiers: ClinVar variation 4975525 (VCV004975525.1).

ClinVar aggregate classification (germline): Uncertain significance (1 of 4 stars; one submission).

Submission:

GeneDx
Classification: Uncertain significance. Last evaluated: 2026-01-30. Review status: criteria provided, single submitter. Criteria: GeneDx Variant Classification Process June 2021. Collection method: clinical testing. Allele origin: germline.
Comment: Not observed at significant frequency in large population cohorts (gnomAD); In silico analysis suggests that this missense variant does not alter protein structure/function; Has not been previously published as pathogenic or benign to our knowledge